The following is an entry in ClinVar:

ClinVar aggregate classification (germline): Uncertain significance (1 of 4 stars; one submission).

gnomAD v4.1: 2 of 1,573,458 alleles (0.00013%); highest among the groups gnomAD compares: South Asian, 0.0023%; no homozygotes.

Submission:

Labcorp Genetics (formerly Invitae), Labcorp
Classification: Uncertain significance. Last evaluated: 2021-12-13. Review status: criteria provided, single submitter. Criteria: Invitae Variant Classification Sherloc (09022015). Collection method: clinical testing. Allele origin: germline.
Comment: This sequence change falls in intron 33 of the CACNA1E gene. It does not directly change the encoded amino acid sequence of the CACNA1E protein. It affects a nucleotide within the consensus splice site. This variant is not present in population databases (gnomAD no frequency). This variant has not been reported in the literature in individuals affected with CACNA1E-related conditions. Variants that disrupt the consensus splice site are a relatively common cause of aberrant splicing (PMID: 17576681, 9536098). Algorithms developed to predict the effect of sequence changes on RNA splicing suggest that this variant is not likely to affect RNA splicing. In summary, the available evidence is currently insufficient to determine the role of this variant in disease. Therefore, it has been classified as a Variant of Uncertain Significance.

Literature cited by the submitters: PubMed 17576681; PubMed 9536098.

NM_001205293.3(CACNA1E):c.4690-3C>T

Gene: CACNA1E (calcium voltage-gated channel subunit alpha1 E; plus strand). Cytogenetic location: 1q25.3.
Variant type: single nucleotide variant.
Coding change: c.4690-3C>T on transcript NM_001205293.3 (MANE Select); 3 bases into the intron before coding-DNA position 4690, C replaced by T.
Molecular consequence: intron variant.
Genome position (GRCh38, 1-based): chr1:181,763,403, C>T. VCF-style: chr1-181763403-C-T. GRCh37 (hg19) VCF-style: chr1-181732539-C-T.
Other names: c.4690-3C>T (NM_000721.4); c.4633-3C>T (NM_001205294.2).
Identifiers: ClinVar variation 1992988 (VCV001992988.4), dbSNP rs1658759367, ClinGen allele CA2580061714.
Genomic context (GRCh38, chr1:181,763,403, plus strand): 5'-GTGCTTAGATTTTTCTAAATCACCATAATGTTCCTAATTATATGTTTCCTTTTGGTCCAC[C>T]AGCTGGTGAACACCAGTGGCTTCAATATGAGCTTTCTGAAGCTCTTCCGAGCTGCCCGCC-3'